The following is an entry in ClinVar:

NM_002692.4(POLE2):c.451G>A (p.Val151Met)

Gene: POLE2 (DNA polymerase epsilon 2, accessory subunit; minus strand). Cytogenetic location: 14q21.3.
Variant type: single nucleotide variant.
Coding change: c.451G>A on transcript NM_002692.4 (MANE Select); coding-DNA position 451, G replaced by A.
Protein change: p.Val151Met; replaces valine 151 with methionine.
Molecular consequence: missense variant.
Genome position (GRCh38, 1-based): chr14:49,669,565, C>T on the plus strand (G>A on the coding strand, the complement: POLE2 is on the minus strand). VCF-style: chr14-49669565-C-T. GRCh37 (hg19) VCF-style: chr14-50136283-C-T.
Other names: c.373G>A, p.Val125Met (NM_001197330.2); c.451G>A, p.Val151Met (NM_001197331.3, NM_001348384.2); c.220G>A, p.Val74Met (NM_001348385.2); short protein forms V74M, V125M, V151M.
Identifiers: ClinVar variation 2333665 (VCV002333665.6), dbSNP rs758578486, ClinGen allele CA7173612.

ClinVar aggregate classification (germline): Uncertain significance. Review status: criteria provided, multiple submitters, no conflicts (2 of 4 stars). 2 submissions from 2 submitters: Uncertain significance (2). Last evaluated 2025-10-29.

Allele frequency attached by ClinVar (database versions not stated): ExAC 0.00001.
gnomAD v4.1: 19 of 1,600,052 alleles (0.0012%); highest among the groups gnomAD compares: African/African-American, 0.0027%; no homozygotes.

Submissions (2):

Labcorp Genetics (formerly Invitae), Labcorp
Classification: Uncertain significance. Last evaluated: 2025-10-29. Review status: criteria provided, single submitter. Criteria: Invitae Variant Classification Sherloc (09022015). Collection method: clinical testing. Allele origin: germline.
Comment: This sequence change replaces valine, which is neutral and non-polar, with methionine, which is neutral and non-polar, at codon 151 of the POLE2 protein (p.Val151Met). This variant is present in population databases (rs758578486, gnomAD 0.002%). This variant has not been reported in the literature in individuals affected with POLE2-related conditions. ClinVar contains an entry for this variant (Variation ID: 2333665). An algorithm developed to predict the effect of missense changes on protein structure and function (PolyPhen-2) suggests that this variant is likely to be disruptive. In summary, the available evidence is currently insufficient to determine the role of this variant in disease. Therefore, it has been classified as a Variant of Uncertain Significance.

Ambry Genetics
Classification: Uncertain significance. Last evaluated: 2025-05-05. Review status: criteria provided, single submitter. Criteria: Ambry Variant Classification Scheme 2023. Collection method: clinical testing. Allele origin: germline.